The following is an entry in ClinVar:

NM_001080517.3(SETD5):c.4257T>C (p.Ser1419=)

Gene: SETD5 (SET domain containing 5; plus strand). Cytogenetic location: 3p25.3.
Variant type: single nucleotide variant.
Coding change: c.4257T>C on transcript NM_001080517.3 (MANE Select); coding-DNA position 4257, T replaced by C.
Protein change: p.Ser1419=; no amino-acid change (serine 1419 retained).
Molecular consequence: synonymous variant.
Genome position (GRCh38, 1-based): chr3:9,476,019, T>C. VCF-style: chr3-9476019-T-C. GRCh37 (hg19) VCF-style: chr3-9517703-T-C.
Other names: c.3963T>C, p.Ser1321= (NM_001292043.2, NM_001349451.2).
Identifiers: ClinVar variation 3769337 (VCV003769337.2).
Genomic context (GRCh38, chr3:9,476,019, plus strand): 5'-CTACCAGGCCTCCAGGGTATCTGCGGTTTCCAATTCACAGCACTACCCACACCGTGGGAG[T>C]GGGGGTGTGCACCAGTACCGACTCCAGCCACTGCAAGGGTCAGGAGTCAAGACTCAGACG-3'
Protein context (NP_001073986.1, residues 1409-1429): SNSQHYPHRG[Ser1419=]GGVHQYRLQP

ClinVar aggregate classification (germline): Likely benign (1 of 4 stars; one submission).

gnomAD v4.1: 1 of 1,613,240 alleles (0.000062%); highest among the groups gnomAD compares: Admixed American, 0.0017%; no homozygotes.

Submission:

Women's Health and Genetics/Laboratory Corporation of America, LabCorp
Classification: Likely benign. Last evaluated: 2025-01-02. Review status: criteria provided, single submitter. Criteria: LabCorp Variant Classification Summary - May 2015. Collection method: clinical testing. Allele origin: germline.
Comment: Variant summary: SETD5 c.4257T>C alters a non-conserved nucleotide resulting in a synonymous change. Consensus agreement among computation tools predict no significant impact on normal splicing. However, these predictions have yet to be confirmed by functional studies. The variant was absent in 248958 control chromosomes. The available data on variant occurrences in the general population are insufficient to allow any conclusion about variant significance. To our knowledge, no occurrence of c.4257T>C in individuals affected with Mental Retardation, Autosomal Dominant 23 and no experimental evidence demonstrating its impact on protein function have been reported. No submitters have cited clinical-significance assessments for this variant to ClinVar. Based on the evidence outlined above, the variant was classified as likely benign.